The following is an entry in ClinVar:

ClinVar aggregate classification (germline): Uncertain significance (1 of 4 stars; one submission).

gnomAD v4.1: 1 of 1,610,902 alleles (0.000062%); highest among the groups gnomAD compares: South Asian, 0.0011%; no homozygotes.

Submission:

Labcorp Genetics (formerly Invitae), Labcorp
Classification: Uncertain significance. Last evaluated: 2024-06-12. Review status: criteria provided, single submitter. Criteria: Invitae Variant Classification Sherloc (09022015). Collection method: clinical testing. Allele origin: germline.
Comment: This sequence change creates a premature translational stop signal (p.Gln322*) in the IFT57 gene. It is expected to result in an absent or disrupted protein product. However, the current clinical and genetic evidence is not sufficient to establish whether loss-of-function variants in IFT57 cause disease. This variant is not present in population databases (gnomAD no frequency). This variant has not been reported in the literature in individuals affected with IFT57-related conditions. In summary, the available evidence is currently insufficient to determine the role of this variant in disease. Therefore, it has been classified as a Variant of Uncertain Significance.

NM_018010.4(IFT57):c.964C>T (p.Gln322Ter)

Gene: IFT57 (intraflagellar transport 57; minus strand). Cytogenetic location: 3q13.12.
Variant type: single nucleotide variant.
Coding change: c.964C>T on transcript NM_018010.4 (MANE Select); coding-DNA position 964, C replaced by T.
Protein change: p.Gln322Ter; replaces glutamine 322 with a stop codon.
Molecular consequence: nonsense.
Genome position (GRCh38, 1-based): chr3:108,166,871, G>A on the plus strand (C>T on the coding strand, the complement: IFT57 is on the minus strand). VCF-style: chr3-108166871-G-A. GRCh37 (hg19) VCF-style: chr3-107885718-G-A.
Other names: short protein forms Q322*.
Identifiers: ClinVar variation 3631979 (VCV003631979.2).